The following is an entry in ClinVar:

ClinVar aggregate classification (germline): Benign. Review status: criteria provided, multiple submitters, no conflicts (2 of 4 stars). 3 submissions from 3 submitters: Benign (2). 1 of the submissions does not count toward it. Last evaluated 2018-06-01.

Conditions:
MVB12B-related disorder. Also called: MVB12B-related condition.

Allele frequency attached by ClinVar (database versions not stated): gnomAD exomes 0.00166 and 0.00346; ExAC 0.00724; 1000 Genomes Project 0.01378; ESP Exome Variant Server 0.01422; gnomAD 0.01463 and 0.01580; 1000 Genomes Project 30x 0.01468; TOPMed 0.01615.
gnomAD v4.1: 4,666 of 1,550,632 alleles (0.3%); highest among the groups gnomAD compares: African/African-American, 5%; 112 homozygotes.

Submissions (3):

Labcorp Genetics (formerly Invitae), Labcorp
Classification: Benign. Last evaluated: 2018-06-01. Review status: criteria provided, single submitter. Criteria: Invitae Variant Classification Sherloc (09022015). Collection method: clinical testing. Allele origin: germline.

Breakthrough Genomics
Classification: Benign. Review status: criteria provided, single submitter. Criteria: ACMG Guidelines, 2015. Collection method: not provided. Allele origin: germline. Inheritance: Unknown mechanism. Affected: yes.

PreventionGenetics, part of Exact Sciences
Classification: Benign for MVB12B-related condition. Last evaluated: 2019-11-25. Review status: no assertion criteria provided. Collection method: clinical testing. Allele origin: germline. Not counted in ClinVar's aggregate classification.
Comment: This variant is classified as benign based on ACMG/AMP sequence variant interpretation guidelines (Richards et al. 2015 PMID: 25741868, with internal and published modifications).

NM_033446.3(MVB12B):c.918C>T (p.Leu306=)

Gene: MVB12B (multivesicular body subunit 12B; plus strand). Cytogenetic location: 9q33.3.
Variant type: single nucleotide variant.
Coding change: c.918C>T on transcript NM_033446.3 (MANE Select); coding-DNA position 918, C replaced by T.
Protein change: p.Leu306=; no amino-acid change (leucine 306 retained).
Molecular consequence: synonymous variant.
Genome position (GRCh38, 1-based): chr9:126,503,221, C>T. VCF-style: chr9-126503221-C-T. GRCh37 (hg19) VCF-style: chr9-129265500-C-T.
Identifiers: ClinVar variation 775278 (VCV000775278.6), dbSNP rs62640044, ClinGen allele CA5242172.